The following continues an entry in ClinVar:

NM_007294.4(BRCA1):c.571G>A (p.Val191Ile)

Gene: BRCA1. ClinVar aggregate classification (germline): Benign. Benign (1).

Submissions 19 to 27 of 27:

GeneDx
Classification: Benign. Last evaluated: 2013-12-16. Review status: criteria provided, single submitter. Criteria: GeneDx Variant Classification (06012015). Collection method: clinical testing. Allele origin: germline. Affected: yes. Not counted in ClinVar's aggregate classification.
Comment: This variant is considered likely benign or benign based on one or more of the following criteria: it is a conservative change, it occurs at a poorly conserved position in the protein, it is predicted to be benign by multiple in silico algorithms, and/or has population frequency not consistent with disease.

Sharing Clinical Reports Project (SCRP)
Classification: Benign for Breast-ovarian cancer, familial 1. Last evaluated: 2008-09-16. Review status: no assertion criteria provided. Collection method: clinical testing. Allele origin: germline. Not counted in ClinVar's aggregate classification.

Breast Cancer Information Core (BIC) (BRCA1)
Classification: Uncertain significance for Breast-ovarian cancer, familial 1. Last evaluated: 2002-05-29. Review status: no assertion criteria provided. Collection method: clinical testing. Allele origin: germline. Affected: yes. Observed: 10 variant alleles. Not counted in ClinVar's aggregate classification.

Center for Precision Medicine, Meizhou People's Hospital
Classification: Likely benign for Familial cancer of breast. Review status: no assertion criteria provided. Collection method: literature only. Allele origin: germline. Affected: yes. Not counted in ClinVar's aggregate classification.

Clinical Genetics DNA and cytogenetics Diagnostics Lab, Erasmus MC, Erasmus Medical Center
Classification: Benign. Review status: no assertion criteria provided. Collection method: clinical testing. Allele origin: germline. Affected: yes. Study: VKGL Data-share Consensus. Not counted in ClinVar's aggregate classification.

Department of Pathology and Laboratory Medicine, Sinai Health System
Classification: Benign for Malignant tumor of breast. Review status: no assertion criteria provided. Collection method: clinical testing. Allele origin: unknown. Affected: yes. Study: The Canadian Open Genetics Repository (COGR). Not counted in ClinVar's aggregate classification.
Comment: The p.Val191Ile was identified in the literature in 9 of 1620 proband chromosomes (frequency: 0.006) from individuals with breast or ovarian cancer (Ang 2007, Chang 2001, Haffty 2009, Purnomosari 2007, Sng 2000, Thirthagiri 2008). The variant was also identified in dbSNP â€šÃ„ÃºWith non-pathogenic alleleâ€šÃ„Ã¹ (ID: rs80357090), HGMD, LOVD, UMD (3X as a neutral variant), and the BIC database (10X with unknown clinical importance). This variant was reported with allelic frequencies of 0.001 and 0.0003 in the 1000 Genomes Project and Exome Variant Server ESP Project respectively, increasing the likelihood that this may be a low frequency benign variant in certain populations of origin. In addition, the variant was shown by Judkins (2005) to reside in trans with a known BRCA1 deleterious mutation (p.Leu63X), increasing the likelihood that the p.Val191Ile variant does not have clinical importance. Furthermore, Myriad classifies this variant as a â€šÃ„Ãºnon-reportable polymorphismâ€šÃ„Ã¹ (personal communication). Although the p.Val191 residue is conserved in mammals, computational analyses (PolyPhen-2, SIFT, AlignGVGD, BLOSUM) do not suggest that the p.Val191Ile variant has a high likelihood of impact to the protein, and two in silico studies suggest that this variant is not pathogenic or of no clinical significance (Easton 2007, Lindor 2012). In summary, based on the above information, this variant meets our laboratoryâ€šÃ„Ã´s criteria to be classified as benign.

Diagnostic Laboratory, Department of Genetics, University Medical Center Groningen
Classification: Benign for Breast-ovarian cancer, familial, susceptibility to, 1. Review status: no assertion criteria provided. Collection method: clinical testing. Allele origin: germline. Affected: yes. Study: VKGL Data-share Consensus. Not counted in ClinVar's aggregate classification.

Genome Diagnostics Laboratory, University Medical Center Utrecht
Classification: Benign. Review status: no assertion criteria provided. Collection method: clinical testing. Allele origin: germline. Affected: yes. Study: VKGL Data-share Consensus. Not counted in ClinVar's aggregate classification.

Joint Genome Diagnostic Labs from Nijmegen and Maastricht, Radboudumc and MUMC+
Classification: Benign. Review status: no assertion criteria provided. Collection method: clinical testing. Allele origin: germline. Affected: yes. Study: VKGL Data-share Consensus. Not counted in ClinVar's aggregate classification.

Literature cited by the submitters: PubMed 21990134 (cited by 4 submitters); DOI 10.3389/fgene.2022.834265 (cited by National Health Laboratory Service, Universitas Academic Hospital and University of the Free State); PubMed 23867111 (cited by 3 submitters); PubMed 17924331 (cited by 4 submitters); PubMed 22486713 (cited by 4 submitters); PubMed 18006916 (cited by Illumina Laboratory Services, Illumina and Women's Health and Genetics/Laboratory Corporation of America, LabCorp); PubMed 25525159 (cited by Illumina Laboratory Services, Illumina); PubMed 16267036 (cited by Women's Health and Genetics/Laboratory Corporation of America, LabCorp); PubMed 18627636 (cited by Women's Health and Genetics/Laboratory Corporation of America, LabCorp); PubMed 10682662 (cited by Women's Health and Genetics/Laboratory Corporation of America, LabCorp); PubMed 22476429 (cited by Women's Health and Genetics/Laboratory Corporation of America, LabCorp); PubMed 19491284 (cited by Women's Health and Genetics/Laboratory Corporation of America, LabCorp); PubMed 17972177 (cited by Women's Health and Genetics/Laboratory Corporation of America, LabCorp); PubMed 18835712 (cited by Women's Health and Genetics/Laboratory Corporation of America, LabCorp); PubMed 18512148 (cited by Women's Health and Genetics/Laboratory Corporation of America, LabCorp); PubMed 11410514 (cited by Women's Health and Genetics/Laboratory Corporation of America, LabCorp); PubMed 26689913 (cited by Women's Health and Genetics/Laboratory Corporation of America, LabCorp).